The following is an entry in ClinVar:

ClinVar aggregate classification (germline): Likely benign (1 of 4 stars; one submission).

gnomAD v4.1: 1,173 of 1,614,198 alleles (0.073%); highest among the groups gnomAD compares: Middle Eastern, 0.38%; 5 homozygotes.

Submission:

CeGaT Center for Human Genetics Tuebingen
Classification: Likely benign. Last evaluated: 2025-10-01. Review status: criteria provided, single submitter. Criteria: CeGaT Center For Human Genetics Tuebingen Variant Classification Criteria Version 2. Collection method: clinical testing. Allele origin: germline. Affected: yes. Observed: 1 variant allele.
Comment: ABCG2: BS2

NM_004827.3(ABCG2):c.211A>G (p.Met71Val)

Gene: ABCG2 (ATP binding cassette subfamily G member 2 (JR blood group); minus strand). Cytogenetic location: 4q22.1.
Variant type: single nucleotide variant.
Coding change: c.211A>G on transcript NM_004827.3 (MANE Select); coding-DNA position 211, A replaced by G.
Protein change: p.Met71Val; replaces methionine 71 with valine.
Molecular consequence: missense variant. On other transcripts: initiator codon variant (3).
Genome position (GRCh38, 1-based): chr4:88,132,628, T>C on the plus strand (A>G on the coding strand, the complement: ABCG2 is on the minus strand). VCF-style: chr4-88132628-T-C. GRCh37 (hg19) VCF-style: chr4-89053780-T-C.
Other names: c.211A>G, p.Met71Val (NM_001257386.2, NM_001348985.1, NM_001348986.2 and 6 more transcripts); c.1A>G, p.Met1Val (NM_001441211.1, NM_001441212.1, NM_001441213.1); short protein forms M1V, M71V.
Identifiers: ClinVar variation 4533545 (VCV004533545.6).
Genomic context (GRCh38, chr4:88,132,628, plus strand): 5'-ATACTCACGAAGATTTGCCTCCACCTGTGGGTCCCAGGATGGCGTTGAGACCAGGTTTCA[T>C]GATCCCACTGTAAACACAAAAACAGACTGATTTACTATTCCATTTTAAGTCAGGTTCTAT-3'
Protein context (NP_004818.2, residues 61-81): KEILSNINGI[Met71Val]KPGLNAILGP